The following is an entry in ClinVar:

ClinVar aggregate classification (germline): Benign (1 of 4 stars; one submission).

Allele frequency attached by ClinVar (database versions not stated): gnomAD 0.01793 and 0.01904; TOPMed 0.01797; 1000 Genomes Project 0.02596; 1000 Genomes Project 30x 0.02889.
gnomAD v4.1: 2,713 of 152,236 alleles (1.8%); highest among the groups gnomAD compares: African/African-American, 6%; 79 homozygotes.

Submission:

GeneDx
Classification: Benign. Last evaluated: 2018-06-19. Review status: criteria provided, single submitter. Criteria: GeneDx Variant Classification (06012015). Collection method: clinical testing. Allele origin: germline. Affected: yes.
Comment: This variant is considered likely benign or benign based on one or more of the following criteria: it is a conservative change, it occurs at a poorly conserved position in the protein, it is predicted to be benign by multiple in silico algorithms, and/or has population frequency not consistent with disease.

NM_020774.4(MIB1):c.1092+172G>A

Gene: MIB1 (MIB E3 ubiquitin protein ligase 1; plus strand). Cytogenetic location: 18q11.2.
Variant type: single nucleotide variant.
Coding change: c.1092+172G>A on transcript NM_020774.4 (MANE Select); 172 bases into the intron after coding-DNA position 1092, G replaced by A.
Molecular consequence: intron variant.
Genome position (GRCh38, 1-based): chr18:21,791,729, G>A. VCF-style: chr18-21791729-G-A. GRCh37 (hg19) VCF-style: chr18-19371690-G-A.
Identifiers: ClinVar variation 679121 (VCV000679121.1), dbSNP rs114789849, ClinGen allele CA296989226.